The following is an entry in ClinVar:

ClinVar aggregate classification (germline): Uncertain significance. Review status: criteria provided, multiple submitters, no conflicts (2 of 4 stars). 2 submissions from 2 submitters: Uncertain significance (2). Last evaluated 2025-04-02.

Conditions:
Inborn genetic diseases. Identifiers: MedGen C0950123, MeSH D030342.

Allele frequency attached by ClinVar (database versions not stated): gnomAD exomes 0.00001; ExAC 0.00002; TOPMed 0.00004.
gnomAD v4.1: 26 of 1,614,040 alleles (0.0016%); highest among the groups gnomAD compares: African/African-American, 0.0053%; no homozygotes.

Submissions (2):

Ambry Genetics
Classification: Uncertain significance for Inborn genetic diseases. Last evaluated: 2025-04-02. Review status: criteria provided, single submitter. Criteria: Ambry Variant Classification Scheme 2023. Collection method: clinical testing. Allele origin: germline.

Labcorp Genetics (formerly Invitae), Labcorp
Classification: Uncertain significance. Last evaluated: 2024-09-06. Review status: criteria provided, single submitter. Criteria: Invitae Variant Classification Sherloc (09022015). Collection method: clinical testing. Allele origin: germline.
Comment: This sequence change replaces threonine, which is neutral and polar, with methionine, which is neutral and non-polar, at codon 1067 of the DNAH9 protein (p.Thr1067Met). This variant is present in population databases (rs200139406, gnomAD 0.002%). This variant has not been reported in the literature in individuals affected with DNAH9-related conditions. ClinVar contains an entry for this variant (Variation ID: 1918843). Invitae Evidence Modeling of protein sequence and biophysical properties (such as structural, functional, and spatial information, amino acid conservation, physicochemical variation, residue mobility, and thermodynamic stability) indicates that this missense variant is not expected to disrupt DNAH9 protein function with a negative predictive value of 80%. In summary, the available evidence is currently insufficient to determine the role of this variant in disease. Therefore, it has been classified as a Variant of Uncertain Significance.

NM_001372.4(DNAH9):c.3200C>T (p.Thr1067Met)

Genes: DNAH9 (dynein axonemal heavy chain 9; plus strand), LOC126862505 (BRD4-independent group 4 enhancer GRCh37_chr17:11572478-11573677; plus strand). Cytogenetic location: 17p12.
Variant type: single nucleotide variant.
Coding change: c.3200C>T on transcript NM_001372.4 (MANE Select); coding-DNA position 3200, C replaced by T.
Protein change: p.Thr1067Met; replaces threonine 1067 with methionine.
Molecular consequence: missense variant.
Genome position (GRCh38, 1-based): chr17:11,669,641, C>T. VCF-style: chr17-11669641-C-T. GRCh37 (hg19) VCF-style: chr17-11572958-C-T.
Other names: c.3200C>T (NM_001372.3); short protein forms T1067M.
Identifiers: ClinVar variation 1918843 (VCV001918843.5), dbSNP rs200139406, ClinGen allele CA8395382.